The following is an entry in ClinVar:

ClinVar aggregate classification (germline): Pathogenic/Likely pathogenic. Review status: criteria provided, multiple submitters, no conflicts (2 of 4 stars). 3 submissions from 3 submitters: Pathogenic (1); Likely pathogenic (1). 1 of the submissions does not count toward it. Last evaluated 2022-12-31.

Conditions:
Retinal dystrophy. Also called: Inherited retinal dystrophy. Identifiers: Orphanet 71862, MedGen C0854723, MeSH D058499, MONDO:0019118, HP:0000556.
IMPG2-related disorders.

Allele frequency attached by ClinVar (database versions not stated): gnomAD exomes below 0.00001.

Submissions (3):

Labcorp Genetics (formerly Invitae), Labcorp
Classification: Pathogenic. Last evaluated: 2022-12-31. Review status: criteria provided, single submitter. Criteria: Invitae Variant Classification Sherloc (09022015). Collection method: clinical testing. Allele origin: germline.
Comment: This sequence change creates a premature translational stop signal (p.Gln814*) in the IMPG2 gene. It is expected to result in an absent or disrupted protein product. Loss-of-function variants in IMPG2 are known to be pathogenic (PMID: 20673862). For these reasons, this variant has been classified as Pathogenic. ClinVar contains an entry for this variant (Variation ID: 866217). This variant has not been reported in the literature in individuals affected with IMPG2-related conditions. This variant is not present in population databases (gnomAD no frequency).

Blueprint Genetics
Classification: Likely pathogenic for IMPG2-related disorders. Last evaluated: 2018-11-01. Review status: criteria provided, single submitter. Criteria: ACMG Guidelines, 2015. Collection method: clinical testing. Allele origin: germline. Affected: yes. Observed: 2 variant alleles.

Institute of Human Genetics, Univ. Regensburg, Univ. Regensburg
Classification: Pathogenic for Retinal dystrophy. Last evaluated: 2023-01-01. Review status: no assertion criteria provided. Criteria: ACMG Guidelines, 2015. Collection method: clinical testing. Allele origin: germline. Affected: yes. Not counted in ClinVar's aggregate classification.

Literature cited by the submitters: PubMed 20673862 (cited by Labcorp Genetics (formerly Invitae), Labcorp).

NM_016247.4(IMPG2):c.2440C>T (p.Gln814Ter)

Gene: IMPG2 (interphotoreceptor matrix proteoglycan 2; minus strand). Cytogenetic location: 3q12.3.
Variant type: single nucleotide variant.
Coding change: c.2440C>T on transcript NM_016247.4 (MANE Select); coding-DNA position 2440, C replaced by T.
Protein change: p.Gln814Ter; replaces glutamine 814 with a stop codon.
Molecular consequence: nonsense.
Genome position (GRCh38, 1-based): chr3:101,243,891, G>A on the plus strand (C>T on the coding strand, the complement: IMPG2 is on the minus strand). VCF-style: chr3-101243891-G-A. GRCh37 (hg19) VCF-style: chr3-100962735-G-A.
Other names: short protein forms Q814*.
Identifiers: ClinVar variation 866217 (VCV000866217.6), dbSNP rs1706439944, ClinGen allele CA353857198.